The following is an entry in ClinVar:

NM_007294.4(BRCA1):c.526_528del (p.Thr176del)

Gene: BRCA1 (BRCA1 DNA repair associated; minus strand). Cytogenetic location: 17q21.31.
Variant type: Deletion.
Coding change: c.526_528del on transcript NM_007294.4 (MANE Select); coding-DNA positions 526 to 528, 3 bases deleted (ACG; older notation c.526_528delACG).
Protein change: p.Thr176del; deletes threonine 176.
Molecular consequence: inframe deletion. On other transcripts: intron variant (2), inframe indel (1).
Genome position (GRCh38, 1-based): chr17:43,099,794-43,099,796, CGT deleted on the plus strand (ACG on the coding strand, the reverse complement: BRCA1 is on the minus strand); deleting any 3 consecutive bases within chr17:43,099,794-43,099,797 gives the same sequence; the c. name uses the placement nearest the transcript's 3' end. VCF-style (leftmost placement, unchanged base first): chr17-43099793-ACGT-A. GRCh37 (hg19) VCF-style: chr17-41251810-ACGT-A.
Other names: c.313_315del, p.Thr105del (NM_001407571.1, NM_001407894.1, NM_001407895.1 and 18 more transcripts); c.526_528del, p.Thr176del (NM_001407581.1, NM_001407582.1, NM_001407583.1 and 96 more transcripts); c.523_525del, p.Thr175del (NM_001407587.1, NM_001407590.1, NM_001407591.1 and 65 more transcripts); c.445_447del, p.Thr149del (NM_001407875.1, NM_001407659.1, NM_001407660.1 and 6 more transcripts); c.316_318del, p.Thr106del (NM_001407879.1, NM_001407881.1, NM_001407882.1 and 37 more transcripts); c.385_387del, p.Thr129del (NM_001407920.1, NM_001407921.1, NM_001407922.1 and 61 more transcripts); c.382_384del, p.Thr128del (NM_001407930.1, NM_001407931.1, NM_001407932.1 and 35 more transcripts); c.517_519del, p.Thr173del (NM_001407646.1, NM_001407647.1, NM_001408408.1); and 6 more; short protein forms T105del, T129del, T176del, T48del, T106del, T131del, T150del, T175del.
Identifiers: ClinVar variation 3825277 (VCV003825277.1).

ClinVar aggregate classification (germline): Uncertain significance (1 of 4 stars; one submission).

Conditions:
Hereditary cancer-predisposing syndrome. Also called: Hereditary neoplastic syndrome; Neoplastic Syndromes, Hereditary; Tumor predisposition; Hereditary Cancer Syndrome. Identifiers: Orphanet 140162, MedGen C0027672, MeSH D009386, MONDO:0015356.

Submission:

Ambry Genetics
Classification: Uncertain significance for Hereditary cancer-predisposing syndrome. Last evaluated: 2024-12-31. Review status: criteria provided, single submitter. Criteria: Ambry Variant Classification Scheme 2023. Collection method: clinical testing. Allele origin: germline.
Comment: The c.526_528delACG variant (also known as p.T176del) is located in coding exon 6 of the BRCA1 gene. This variant results from an in-frame ACG deletion at nucleotide positions 526 to 528. This results in the in-frame deletion of a threonine at codon 176. This amino acid position is conserved in available species, except human and opossum. In addition, this alteration is predicted to be neutral by in silico analysis (Choi Y et al. PLoS ONE. 2012; 7(10):e46688). Based on the available evidence, the clinical significance of this variant remains unclear.